The following is an entry in ClinVar:

ClinVar aggregate classification (germline): Uncertain significance. Review status: criteria provided, multiple submitters, no conflicts (2 of 4 stars). 2 submissions from 2 submitters: Uncertain significance (2). Last evaluated 2026-03-13.

Conditions:
Fanconi anemia (FA). Also called: Fanconi's anemia. Identifiers: Orphanet 84, MedGen C0015625, MeSH D005199, MONDO:0019391.

Allele frequency attached by ClinVar (database versions not stated): TOPMed below 0.00001; gnomAD 0.00001.
gnomAD v4.1: 1 of 1,614,102 alleles (0.000062%); highest among the groups gnomAD compares: Non-Finnish European, 0.000085%; no homozygotes.

Submissions (2):

GeneDx
Classification: Uncertain significance. Last evaluated: 2026-03-13. Review status: criteria provided, single submitter. Criteria: GeneDx Variant Classification Process June 2021. Collection method: clinical testing. Allele origin: germline.
Comment: Not observed at significant frequency in large population cohorts (gnomAD); In silico analysis supports that this missense variant has a deleterious effect on protein structure/function; Has not been previously published as pathogenic or benign to our knowledge

Labcorp Genetics (formerly Invitae), Labcorp
Classification: Uncertain significance for Fanconi anemia. Last evaluated: 2022-06-16. Review status: criteria provided, single submitter. Criteria: Invitae Variant Classification Sherloc (09022015). Collection method: clinical testing. Allele origin: germline.
Comment: This sequence change replaces proline, which is neutral and non-polar, with arginine, which is basic and polar, at codon 1042 of the FANCI protein (p.Pro1042Arg). This variant is not present in population databases (gnomAD no frequency). This variant has not been reported in the literature in individuals affected with FANCI-related conditions. Algorithms developed to predict the effect of missense changes on protein structure and function are either unavailable or do not agree on the potential impact of this missense change (SIFT: "Tolerated"; PolyPhen-2: "Possibly Damaging"; Align-GVGD: "Class C0"). In summary, the available evidence is currently insufficient to determine the role of this variant in disease. Therefore, it has been classified as a Variant of Uncertain Significance.

NM_001113378.2(FANCI):c.3125C>G (p.Pro1042Arg)

Gene: FANCI (FA complementation group I; plus strand). Cytogenetic location: 15q26.1.
Variant type: single nucleotide variant.
Coding change: c.3125C>G on transcript NM_001113378.2 (MANE Select); coding-DNA position 3125, C replaced by G.
Protein change: p.Pro1042Arg; replaces proline 1042 with arginine.
Molecular consequence: missense variant.
Genome position (GRCh38, 1-based): chr15:89,305,181, C>G. VCF-style: chr15-89305181-C-G. GRCh37 (hg19) VCF-style: chr15-89848412-C-G.
Other names: c.2846C>G, p.Pro949Arg (NM_001376910.1); c.3125C>G, p.Pro1042Arg (NM_001376911.1); c.2945C>G, p.Pro982Arg (NM_018193.3); short protein forms P949R, P982R, P1042R.
Identifiers: ClinVar variation 2171271 (VCV002171271.2), dbSNP rs2054669748, ClinGen allele CA393739315.
Genomic context (GRCh38, chr15:89,305,181, plus strand): 5'-CCTTGTTTTGCAAGAGCTTGATGAACTTGCTCTTCAGCCTGCATGTTTCGTATAAGAGTC[C>G]TGTCATTCTGCTGCGTGACTTGTCCCAGGATATCCACGGGCATCTGGGAGATATAGACCA-3'
Protein context (NP_001106849.1, residues 1032-1052): LFSLHVSYKS[Pro1042Arg]VILLRDLSQD